The following is an entry in ClinVar:

ClinVar aggregate classification (germline): Uncertain significance (1 of 4 stars; one submission).

Conditions:
Steel syndrome (STLS). Identifiers: Orphanet 438117, MedGen C3554594, MONDO:0014061, OMIM 615155.

Submission:

Juno Genomics, Hangzhou Juno Genomics, Inc
Classification: Uncertain significance for Steel syndrome. Review status: criteria provided, single submitter. Criteria: ACMG Guidelines, 2015. Collection method: clinical testing. Allele origin: germline. Affected: yes.
Comment: Absent from controls (or at extremely low frequency if recessive) in Genome Aggregation Database, Exome Sequencing Project, 1000 Genomes Project, or Exome Aggregation Consortium.;Multiple lines of computational evidence support a deleterious effect on the gene or gene product (conservation, evolutionary, splicing impact, etc).

NM_032888.4(COL27A1):c.2620G>A (p.Gly874Arg)

Gene: COL27A1 (collagen type XXVII alpha 1 chain; plus strand). Cytogenetic location: 9q32.
Variant type: single nucleotide variant.
Coding change: c.2620G>A on transcript NM_032888.4 (MANE Select); coding-DNA position 2620, G replaced by A.
Protein change: p.Gly874Arg; replaces glycine 874 with arginine.
Molecular consequence: missense variant.
Genome position (GRCh38, 1-based): chr9:114,236,981, G>A. VCF-style: chr9-114236981-G-A. GRCh37 (hg19) VCF-style: chr9-116999261-G-A.
Other names: short protein forms G874R.
Identifiers: ClinVar variation 4531295 (VCV004531295.1).